The following is an entry in ClinVar:

NM_032340.4(UQCC2):c.353A>G (p.Lys118Arg)

Gene: UQCC2 (ubiquinol-cytochrome c reductase complex assembly factor 2; minus strand). Cytogenetic location: 6p21.31.
Variant type: single nucleotide variant.
Coding change: c.353A>G on transcript NM_032340.4 (MANE Select); coding-DNA position 353, A replaced by G.
Protein change: p.Lys118Arg; replaces lysine 118 with arginine.
Molecular consequence: missense variant.
Genome position (GRCh38, 1-based): chr6:33,697,681, T>C on the plus strand (A>G on the coding strand, the complement: UQCC2 is on the minus strand). VCF-style: chr6-33697681-T-C. GRCh37 (hg19) VCF-style: chr6-33665458-T-C.
Other names: p.Lys118Arg; short protein forms K118R.
Identifiers: ClinVar variation 380196 (VCV000380196.12), dbSNP rs34628420, ClinGen allele CA3762433.

ClinVar aggregate classification (germline): Benign. Review status: criteria provided, multiple submitters, no conflicts (2 of 4 stars). 3 submissions from 3 submitters: Benign (3). Last evaluated 2026-02-02.

Allele frequency attached by ClinVar (database versions not stated): ESP Exome Variant Server 0.00031; gnomAD exomes 0.00264 and 0.01209; gnomAD 0.00448 and 0.00453; 1000 Genomes Project 0.00499; 1000 Genomes Project 30x 0.00578; TOPMed 0.00847; ExAC 0.00907.
gnomAD v4.1: 4,508 of 1,614,010 alleles (0.28%); highest among the groups gnomAD compares: Admixed American, 7.1%; 235 homozygotes.

Submissions (3):

Labcorp Genetics (formerly Invitae), Labcorp
Classification: Benign. Last evaluated: 2026-02-02. Review status: criteria provided, single submitter. Criteria: Invitae Variant Classification Sherloc (09022015). Collection method: clinical testing. Allele origin: germline.

Mayo Clinic Laboratories, Mayo Clinic
Classification: Benign. Last evaluated: 2023-10-14. Review status: criteria provided, single submitter. Criteria: ACMG Guidelines, 2015. Collection method: clinical testing. Allele origin: germline. Observed: 4 variant alleles.

GeneDx
Classification: Benign. Last evaluated: 2016-02-23. Review status: criteria provided, single submitter. Criteria: GeneDx Variant Classification (06012015). Collection method: clinical testing. Allele origin: germline. Affected: yes.
Comment: This variant is considered likely benign or benign based on one or more of the following criteria: it is a conservative change, it occurs at a poorly conserved position in the protein, it is predicted to be benign by multiple in silico algorithms, and/or has population frequency not consistent with disease.